The following is an entry in ClinVar:

ClinVar aggregate classification (germline): Pathogenic (1 of 4 stars; one submission).

Conditions:
Neurofibromatosis, type 1 (NF1). Also called: VON RECKLINGHAUSEN DISEASE; NEUROFIBROMATOSIS, TYPE I, SOMATIC; Peripheral type neurofibromatosis; Neurofibromatosis, type I. Identifiers: Orphanet 636, MedGen C0027831, MONDO:0018975, OMIM 162200. Disease mechanism: loss of function.

Submission:

Labcorp Genetics (formerly Invitae), Labcorp
Classification: Pathogenic for Neurofibromatosis, type 1. Last evaluated: 2023-09-03. Review status: criteria provided, single submitter. Criteria: Invitae Variant Classification Sherloc (09022015). Collection method: clinical testing. Allele origin: germline.
Comment: For these reasons, this variant has been classified as Pathogenic. ClinVar contains an entry for this variant (Variation ID: 655579). This variant has not been reported in the literature in individuals affected with NF1-related conditions. This variant is not present in population databases (gnomAD no frequency). This sequence change creates a premature translational stop signal (p.Arg1136Valfs*60) in the NF1 gene. It is expected to result in an absent or disrupted protein product. Loss-of-function variants in NF1 are known to be pathogenic (PMID: 10712197, 23913538).

Literature cited by the submitters: PubMed 10712197; PubMed 23913538.

NM_001042492.3(NF1):c.3402_3405dup (p.Arg1136fs)

Gene: NF1 (neurofibromin 1; plus strand). Cytogenetic location: 17q11.2.
Variant type: Duplication.
Coding change: c.3402_3405dup on transcript NM_001042492.3 (MANE Select); coding-DNA positions 3402 to 3405, 4 bases duplicated (GTCT; older notation c.3402_3405dupGTCT).
Protein change: p.Arg1136fs; shifts the reading frame from arginine 1136.
Molecular consequence: frameshift variant.
Genome position (GRCh38, 1-based): chr17:31,232,787-31,232,790, GTCT duplicated; duplicating any 4 consecutive bases within chr17:31,232,786-31,232,790 gives the same sequence; the c. name uses the placement nearest the transcript's 3' end. VCF-style (leftmost placement, unchanged base first): chr17-31232785-A-ATGTC. GRCh37 (hg19) VCF-style: chr17-29559803-A-ATGTC.
Other names: c.3402_3405dup, p.Arg1136Valfs (NM_000267.4); short protein forms R1136fs.
Identifiers: ClinVar variation 655579 (VCV000655579.5), dbSNP rs1597719535, ClinGen allele CA915949891.
Genomic context (GRCh38, chr17:31,232,785, plus strand): 5'-TTGAATGACTGCAGTGAAGTTGAAGATGAAAGTGCGCAAACAGGTGGCAGGAAACGTGGC[A>ATGTC]TGTCTCGGAGGCTGGCATCACTGAGGCACTGTACGGTCCTTGCAATGTCAAACTTACTCA-3'